The following is an entry in ClinVar:

NM_000321.3(RB1):c.2431_2452dup (p.Gly818delinsGluSerIleTer)

Gene: RB1 (RB transcriptional corepressor 1; plus strand). Cytogenetic location: 13q14.2.
Variant type: Duplication.
Coding change: c.2431_2452dup on transcript NM_000321.3 (MANE Select); coding-DNA positions 2431 to 2452, 22 bases duplicated (AGTCCATATAAAATTTCAGAAG).
Protein change: p.Gly818delinsGluSerIleTer.
Molecular consequence: nonsense.
Genome position (GRCh38, 1-based): chr13:48,465,310-48,465,331, AGTCCATATAAAATTTCAGAAG duplicated; duplicating any 22 consecutive bases within chr13:48,465,306-48,465,331 gives the same sequence; the c. name uses the placement nearest the transcript's 3' end. VCF-style (leftmost placement, unchanged base first): chr13-48465305-T-TGAAGAGTCCATATAAAATTTCA. GRCh37 (hg19) VCF-style: chr13-49039441-T-TGAAGAGTCCATATAAAATTTCA.
Other names: c.2431_2452dup, p.Gly818delinsGluSerIleTer (NM_001407165.1).
Identifiers: ClinVar variation 3237094 (VCV003237094.1), dbSNP rs2542375999.

ClinVar aggregate classification (germline): Pathogenic (1 of 4 stars; one submission).

Conditions:
Retinoblastoma (RB1). Also called: RETINOBLASTOMA, SOMATIC. Identifiers: Orphanet 790, MedGen C0035335, MeSH D012175, MONDO:0008380, OMIM 180200, HP:0009919. Disease mechanism: loss of function. Inheritance: Both sporadic and heritable forms are tested..

Submission:

Genetic Diagnostic Laboratory, University of Pennsylvania School of Medicine
Classification: Pathogenic for Retinoblastoma. Last evaluated: 2024-05-20. Review status: criteria provided, single submitter. Criteria: ACMG Guidelines, 2015. Collection method: clinical testing. Allele origin: germline. Affected: yes. Observed: 1 variant allele.
Comment: Case and Pedigree Information: BILATERAL CASES:1, UNILATERAL CASES:0, TOTAL CASES:1, PEDIGREES:1. ACMG Codes Applied:PVS1, PM2